The following is an entry in ClinVar:

NM_017415.3(KLHL3):c.1518C>T (p.Ser506=)

Gene: KLHL3 (kelch like family member 3; minus strand). Cytogenetic location: 5q31.2.
Variant type: single nucleotide variant.
Coding change: c.1518C>T on transcript NM_017415.3 (MANE Select); coding-DNA position 1518, C replaced by T.
Protein change: p.Ser506=; no amino-acid change (serine 506 retained).
Molecular consequence: synonymous variant.
Genome position (GRCh38, 1-based): chr5:137,628,370, G>A on the plus strand (C>T on the coding strand, the complement: KLHL3 is on the minus strand). VCF-style: chr5-137628370-G-A. GRCh37 (hg19) VCF-style: chr5-136964059-G-A.
Other names: c.1422C>T, p.Ser474= (NM_001257194.1); c.1272C>T, p.Ser424= (NM_001257195.2).
Identifiers: ClinVar variation 350984 (VCV000350984.10), dbSNP rs529937913, ClinGen allele CA3422184.

ClinVar aggregate classification (germline): Benign. Review status: criteria provided, multiple submitters, no conflicts (2 of 4 stars). 2 submissions from 2 submitters: Benign (2). Last evaluated 2025-11-19.

Conditions:
Pseudohypoaldosteronism type 2D (PHA2D). Also called: FAMILIAL HYPERKALEMIC HYPERTENSION; PSEUDOHYPOALDOSTERONISM, TYPE IID, AUTOSOMAL DOMINANT OR RECESSIVE; Pseudohypoaldosteronism Type IID. Identifiers: Orphanet 300525, Orphanet 757, MedGen C3469605, MONDO:0013781, OMIM 614495.

Allele frequency attached by ClinVar (database versions not stated): gnomAD 0.00001 and 0.00011; TOPMed 0.00002; 1000 Genomes Project 0.00020; gnomAD exomes 0.00029 and 0.00054; 1000 Genomes Project 30x 0.00047; ExAC 0.00063.
gnomAD v4.1: 436 of 1,614,100 alleles (0.027%); highest among the groups gnomAD compares: South Asian, 0.44%; 5 homozygotes.

Submissions (2):

Labcorp Genetics (formerly Invitae), Labcorp
Classification: Benign. Last evaluated: 2025-11-19. Review status: criteria provided, single submitter. Criteria: Invitae Variant Classification Sherloc (09022015). Collection method: clinical testing. Allele origin: germline.

Illumina Laboratory Services, Illumina
Classification: Benign for Pseudohypoaldosteronism type 2D. Last evaluated: 2018-01-13. Review status: criteria provided, single submitter. Criteria: ICSL Variant Classification Criteria 13 December 2019. Collection method: clinical testing. Allele origin: germline.
Comment: This variant was observed in the ICSL laboratory as part of a predisposition screen in an ostensibly healthy population. It had not been previously curated by ICSL or reported in the Human Gene Mutation Database (HGMD: prior to June 1st, 2018), and was therefore a candidate for classification through an automated scoring system. Utilizing variant allele frequency, disease prevalence and penetrance estimates, and inheritance mode, an automated score was calculated to assess if this variant is too frequent to cause the disease. Based on the score and internal cut-off values, a variant classified as benign is not then subjected to further curation. The score for this variant resulted in a classification of benign for this disease.